The following is an entry in ClinVar:

ClinVar aggregate classification (germline): Uncertain significance (1 of 4 stars; one submission).

Submission:

Ambry Genetics
Classification: Uncertain significance. Last evaluated: 2022-12-11. Review status: criteria provided, single submitter. Criteria: Ambry Variant Classification Scheme 2023. Collection method: clinical testing. Allele origin: germline.
Comment: The p.G2288D variant (also known as c.6863G>A), located in coding exon 24 of the POLQ gene, results from a G to A substitution at nucleotide position 6863. The glycine at codon 2288 is replaced by aspartic acid, an amino acid with similar properties. This amino acid position is conserved. In addition, this alteration is predicted to be tolerated by in silico analysis. Since supporting evidence is limited at this time, the clinical significance of this alteration remains unclear.

NM_199420.4(POLQ):c.6863G>A (p.Gly2288Asp)

Gene: POLQ (DNA polymerase theta; minus strand). Cytogenetic location: 3q13.33.
Variant type: single nucleotide variant.
Coding change: c.6863G>A on transcript NM_199420.4 (MANE Select); coding-DNA position 6863, G replaced by A.
Protein change: p.Gly2288Asp; replaces glycine 2288 with aspartic acid.
Molecular consequence: missense variant.
Genome position (GRCh38, 1-based): chr3:121,467,623, C>T on the plus strand (G>A on the coding strand, the complement: POLQ is on the minus strand). VCF-style: chr3-121467623-C-T. GRCh37 (hg19) VCF-style: chr3-121186470-C-T.
Other names: short protein forms G2288D.
Identifiers: ClinVar variation 2497218 (VCV002497218.2), dbSNP rs2546770221, ClinGen allele CA354110721.